The following is an entry in ClinVar:

ClinVar aggregate classification (germline): Uncertain significance. Review status: criteria provided, multiple submitters, no conflicts (2 of 4 stars). 2 submissions from 2 submitters: Uncertain significance (2). Last evaluated 2024-03-25.

Conditions:
Hereditary cancer-predisposing syndrome. Also called: Hereditary Cancer Syndrome; Neoplastic Syndromes, Hereditary; Tumor predisposition; Hereditary neoplastic syndrome. Identifiers: Orphanet 140162, MedGen C0027672, MeSH D009386, MONDO:0015356.
Familial adenomatous polyposis 1 (FAP1). Also called: FAMILIAL ADENOMATOUS POLYPOSIS 1, ATTENUATED; POLYPOSIS, ADENOMATOUS INTESTINAL. Identifiers: MedGen C2713442, MONDO:0021056, OMIM 175100. Disease mechanism: loss of function.

Allele frequency attached by ClinVar (database versions not stated): gnomAD exomes below 0.00001.
gnomAD v4.1: 6 of 1,612,290 alleles (0.00037%); highest among the groups gnomAD compares: Non-Finnish European, 0.00051%; no homozygotes.

Submissions (2):

Ambry Genetics
Classification: Uncertain significance for Hereditary cancer-predisposing syndrome. Last evaluated: 2024-03-25. Review status: criteria provided, single submitter. Criteria: Ambry Variant Classification Scheme 2023. Collection method: clinical testing. Allele origin: germline.
Comment: The p.A289T variant (also known as c.865G>A), located in coding exon 8 of the APC gene, results from a G to A substitution at nucleotide position 865. The alanine at codon 289 is replaced by threonine, an amino acid with similar properties. This amino acid position is well conserved in available vertebrate species. In addition, in silico predictors for this gene do not accurately predict pathogenicity. Based on the available evidence, the clinical significance of this alteration remains unclear.

Labcorp Genetics (formerly Invitae), Labcorp
Classification: Uncertain significance for Familial adenomatous polyposis 1. Last evaluated: 2022-09-23. Review status: criteria provided, single submitter. Criteria: Invitae Variant Classification Sherloc (09022015). Collection method: clinical testing. Allele origin: germline.
Comment: This sequence change replaces alanine, which is neutral and non-polar, with threonine, which is neutral and polar, at codon 289 of the APC protein (p.Ala289Thr). This variant is not present in population databases (gnomAD no frequency). This variant has not been reported in the literature in individuals affected with APC-related conditions. Advanced modeling of protein sequence and biophysical properties (such as structural, functional, and spatial information, amino acid conservation, physicochemical variation, residue mobility, and thermodynamic stability) performed at Invitae indicates that this missense variant is not expected to disrupt APC protein function. In summary, the available evidence is currently insufficient to determine the role of this variant in disease. Therefore, it has been classified as a Variant of Uncertain Significance.

NM_000038.6(APC):c.865G>A (p.Ala289Thr)

Gene: APC (APC regulator of Wnt signaling pathway; plus strand). Cytogenetic location: 5q22.2.
Variant type: single nucleotide variant.
Coding change: c.865G>A on transcript NM_000038.6 (MANE Select); coding-DNA position 865, G replaced by A.
Protein change: p.Ala289Thr; replaces alanine 289 with threonine.
Molecular consequence: missense variant.
Genome position (GRCh38, 1-based): chr5:112,815,525, G>A. VCF-style: chr5-112815525-G-A. GRCh37 (hg19) VCF-style: chr5-112151222-G-A.
Other names: c.865G>A, p.Ala289Thr (NM_001127510.3, NM_001354895.2, NM_001354896.2 and 12 more transcripts); c.811G>A, p.Ala271Thr (NM_001127511.3); c.895G>A, p.Ala299Thr (NM_001354897.2, NM_001354902.2, NM_001407446.1); c.790G>A, p.Ala264Thr (NM_001354898.2, NM_001354904.2, NM_001407451.1); c.781G>A, p.Ala261Thr (NM_001354899.2, NM_001407452.1, NM_001407467.1 and 1 more transcripts); c.688G>A, p.Ala230Thr (NM_001354900.2, NM_001354901.2, NM_001354905.2 and 1 more transcripts); c.16G>A, p.Ala6Thr (NM_001354906.2, NM_001407470.1, NM_001407471.1 and 1 more transcripts); c.865G>A (NM_000038.5); short protein forms A271T, A289T, A6T, A261T, A230T, A264T, A299T.
Identifiers: ClinVar variation 1980247 (VCV001980247.5), dbSNP rs2149762861, ClinGen allele CA16023210.